The following is an entry in ClinVar:

NM_000458.4(HNF1B):c.51_60delinsCAGGA (p.Ser18fs)

Gene: HNF1B (HNF1 homeobox B; minus strand). Cytogenetic location: 17q12.
Variant type: Indel.
Coding change: c.51_60delinsCAGGA on transcript NM_000458.4 (MANE Select); coding-DNA positions 51 to 60, GAGCTCCGGG replaced by CAGGA.
Protein change: p.Ser18fs; shifts the reading frame from serine 18.
Molecular consequence: frameshift variant.
Genome position (GRCh38, 1-based): chr17:37,744,825-37,744,834, CCCGGAGCTC replaced by TCCTG on the plus strand (GAGCTCCGGG replaced by CAGGA on the coding strand, the reverse complement: HNF1B is on the minus strand). VCF-style: chr17-37744825-CCCGGAGCTC-TCCTG. GRCh37 (hg19) VCF-style: chr17-36104816-CCCGGAGCTC-TCCTG.
Other names: c.51_60delinsCAGGA, p.Ser18fs (NM_001165923.4, NM_001304286.2, NM_001411100.1); short protein forms S18fs.
Identifiers: ClinVar variation 4993883 (VCV004993883.1).

ClinVar aggregate classification (germline): Likely pathogenic (1 of 4 stars; one submission).

Conditions:
HNF1B-related disorder. Also called: HNF1B-related condition; HNF1B-related disorders.

Submission:

PreventionGenetics, part of Exact Sciences
Classification: Likely pathogenic for HNF1B-related condition. Last evaluated: 2025-12-26. Review status: criteria provided, single submitter. Criteria: ACMG Guidelines, 2015. Collection method: clinical testing. Allele origin: germline.
Comment: The HNF1B c.51_60delinsCAGGA variant is predicted to result in a frameshift and premature protein termination (p.Ser18Argfs*68). To our knowledge, this variant has not been reported in the literature or in a large population database (gnomAD), indicating this variant is rare. Frameshift variants in HNF1B are expected to be pathogenic. This variant is interpreted as likely pathogenic.